The following is an entry in ClinVar:

ClinVar aggregate classification (germline): Uncertain significance. Review status: criteria provided, multiple submitters, no conflicts (2 of 4 stars). 2 submissions from 2 submitters: Uncertain significance (2). Last evaluated 2022-04-06.

Conditions:
Infantile neuroaxonal dystrophy (NBIA2A). Also called: NEURODEGENERATION WITH BRAIN IRON ACCUMULATION 2A; SEITELBERGER DISEASE; Infantile neuroaxonal dystrophy 1. Identifiers: Orphanet 35069, MedGen C0270724, MONDO:0024457, OMIM 256600.

gnomAD v4.1: 3 of 1,567,692 alleles (0.00019%); highest among the groups gnomAD compares: Non-Finnish European, 0.00017%; no homozygotes.

Submissions (2):

GeneDx
Classification: Uncertain significance. Last evaluated: 2022-04-06. Review status: criteria provided, single submitter. Criteria: GeneDx Variant Classification Process June 2021. Collection method: clinical testing. Allele origin: germline. Affected: yes.
Comment: Not observed at significant frequency in large population cohorts (gnomAD); In silico analysis supports that this missense variant does not alter protein structure/function; Has not been previously published as pathogenic or benign to our knowledge

Labcorp Genetics (formerly Invitae), Labcorp
Classification: Uncertain significance for Infantile neuroaxonal dystrophy. Last evaluated: 2022-02-09. Review status: criteria provided, single submitter. Criteria: Invitae Variant Classification Sherloc (09022015). Collection method: clinical testing. Allele origin: germline.
Comment: This sequence change replaces asparagine, which is neutral and polar, with lysine, which is basic and polar, at codon 309 of the PLA2G6 protein (p.Asn309Lys). This variant is not present in population databases (gnomAD no frequency). This variant has not been reported in the literature in individuals affected with PLA2G6-related conditions. Advanced modeling of protein sequence and biophysical properties (such as structural, functional, and spatial information, amino acid conservation, physicochemical variation, residue mobility, and thermodynamic stability) performed at Invitae indicates that this missense variant is not expected to disrupt PLA2G6 protein function. In summary, the available evidence is currently insufficient to determine the role of this variant in disease. Therefore, it has been classified as a Variant of Uncertain Significance.

NM_003560.4(PLA2G6):c.927C>G (p.Asn309Lys)

Gene: PLA2G6 (phospholipase A2 group VI; minus strand). Cytogenetic location: 22q13.1.
Variant type: single nucleotide variant.
Coding change: c.927C>G on transcript NM_003560.4 (MANE Select); coding-DNA position 927, C replaced by G.
Protein change: p.Asn309Lys; replaces asparagine 309 with lysine.
Molecular consequence: missense variant.
Genome position (GRCh38, 1-based): chr22:38,132,981, G>C on the plus strand (C>G on the coding strand, the complement: PLA2G6 is on the minus strand). VCF-style: chr22-38132981-G-C. GRCh37 (hg19) VCF-style: chr22-38528988-G-C.
Other names: c.927C>G, p.Asn309Lys (NM_001004426.3, NM_001199562.3, NM_001349864.2 and 2 more transcripts); c.393C>G, p.Asn131Lys (NM_001349867.2, NM_001349869.2); c.249C>G, p.Asn83Lys (NM_001349868.2); short protein forms N131K, N309K, N83K.
Identifiers: ClinVar variation 1415118 (VCV001415118.4), dbSNP rs770332365, ClinGen allele CA411530911.